The following is an entry in ClinVar:

NM_000136.3(FANCC):c.1508C>G (p.Thr503Arg)

Genes: FANCC (FA complementation group C; minus strand), AOPEP (aminopeptidase O (putative); plus strand). Cytogenetic location: 9q22.32.
Variant type: single nucleotide variant.
Coding change: c.1508C>G on transcript NM_000136.3 (MANE Select); coding-DNA position 1508, C replaced by G.
Protein change: p.Thr503Arg; replaces threonine 503 with arginine.
Molecular consequence: missense variant.
Genome position (GRCh38, 1-based): chr9:95,107,091, G>C on the plus strand (C>G on the coding strand, the complement: FANCC is on the minus strand). VCF-style: chr9-95107091-G-C. GRCh37 (hg19) VCF-style: chr9-97869373-G-C.
Other names: c.1508C>G, p.Thr503Arg (NM_001243743.2); short protein forms T503R.
Identifiers: ClinVar variation 3512787 (VCV003512787.1).

ClinVar aggregate classification (germline): Uncertain significance (1 of 4 stars; one submission).

Conditions:
Hereditary cancer-predisposing syndrome. Also called: Tumor predisposition; Neoplastic Syndromes, Hereditary; Hereditary Cancer Syndrome; Hereditary neoplastic syndrome. Identifiers: Orphanet 140162, MedGen C0027672, MeSH D009386, MONDO:0015356.

Submission:

Ambry Genetics
Classification: Uncertain significance for Hereditary cancer-predisposing syndrome. Last evaluated: 2024-09-26. Review status: criteria provided, single submitter. Criteria: Ambry Variant Classification Scheme 2023. Collection method: clinical testing. Allele origin: germline.
Comment: The p.T503R variant (also known as c.1508C>G), located in coding exon 13 of the FANCC gene, results from a C to G substitution at nucleotide position 1508. The threonine at codon 503 is replaced by arginine, an amino acid with similar properties. This amino acid position is conserved. In addition, this alteration is predicted to be tolerated by in silico analysis. Based on the available evidence, the clinical significance of this variant remains unclear.